The following is an entry in ClinVar:

ClinVar aggregate classification (germline): Uncertain significance (1 of 4 stars; one submission).

Conditions:
Hereditary cancer-predisposing syndrome. Also called: Neoplastic Syndromes, Hereditary; Tumor predisposition; Hereditary neoplastic syndrome; Hereditary Cancer Syndrome. Identifiers: Orphanet 140162, MedGen C0027672, MeSH D009386, MONDO:0015356.

Allele frequency attached by ClinVar (database versions not stated): gnomAD exomes below 0.00001.
gnomAD v4.1: 1 of 1,614,184 alleles (0.000062%); highest among the groups gnomAD compares: Non-Finnish European, 0.000085%; no homozygotes.

Submission:

Ambry Genetics
Classification: Uncertain significance for Hereditary cancer-predisposing syndrome. Last evaluated: 2022-12-09. Review status: criteria provided, single submitter. Criteria: Ambry Variant Classification Scheme 2023. Collection method: clinical testing. Allele origin: germline.
Comment: The p.A102D variant (also known as c.305C>A), located in coding exon 3 of the CDH1 gene, results from a C to A substitution at nucleotide position 305. The alanine at codon 102 is replaced by aspartic acid, an amino acid with dissimilar properties. This amino acid position is conserved. In addition, this alteration is predicted to be deleterious by in silico analysis. Since supporting evidence is limited at this time, the clinical significance of this alteration remains unclear.

NM_004360.5(CDH1):c.305C>A (p.Ala102Asp)

Gene: CDH1 (cadherin 1; plus strand). Cytogenetic location: 16q22.1.
Variant type: single nucleotide variant.
Coding change: c.305C>A on transcript NM_004360.5 (MANE Select); coding-DNA position 305, C replaced by A.
Protein change: p.Ala102Asp; replaces alanine 102 with aspartic acid.
Molecular consequence: missense variant. On other transcripts: 5 prime UTR variant (2).
Genome position (GRCh38, 1-based): chr16:68,801,811, C>A. VCF-style: chr16-68801811-C-A. GRCh37 (hg19) VCF-style: chr16-68835714-C-A.
Other names: c.305C>A, p.Ala102Asp (NM_001317184.2); c.-1311C>A (NM_001317185.2); c.-1515C>A (NM_001317186.2); short protein forms A102D.
Identifiers: ClinVar variation 2453323 (VCV002453323.2), dbSNP rs786202689, ClinGen allele CA396457348.